The following is an entry in ClinVar:

ClinVar aggregate classification (germline): Uncertain significance (1 of 4 stars; one submission).

Conditions:
Charcot-Marie-Tooth disease axonal type 2Z. Also called: CHARCOT-MARIE-TOOTH DISEASE, AXONAL, AUTOSOMAL DOMINANT, TYPE 2Z; CHARCOT-MARIE-TOOTH NEUROPATHY, TYPE 2Z. Identifiers: Orphanet 466768, MedGen C5569025, MONDO:0014736, OMIM 616688.

Submission:

Labcorp Genetics (formerly Invitae), Labcorp
Classification: Uncertain significance for Charcot-Marie-Tooth disease axonal type 2Z. Last evaluated: 2023-06-16. Review status: criteria provided, single submitter. Criteria: Invitae Variant Classification Sherloc (09022015). Collection method: clinical testing. Allele origin: germline.
Comment: In summary, the available evidence is currently insufficient to determine the role of this variant in disease. Therefore, it has been classified as a Variant of Uncertain Significance. Algorithms developed to predict the effect of sequence changes on RNA splicing suggest that this variant may create or strengthen a splice site. This variant has not been reported in the literature in individuals affected with MORC2-related conditions. This variant is not present in population databases (gnomAD no frequency). This sequence change falls in intron 12 of the MORC2 gene. It does not directly change the encoded amino acid sequence of the MORC2 protein.

NM_001303256.3(MORC2):c.1074-20G>C

Gene: MORC2 (MORC family CW-type zinc finger 2; minus strand). Cytogenetic location: 22q12.2.
Variant type: single nucleotide variant.
Coding change: c.1074-20G>C on transcript NM_001303256.3 (MANE Select); 20 bases into the intron before coding-DNA position 1074, G replaced by C.
Molecular consequence: intron variant.
Genome position (GRCh38, 1-based): chr22:30,938,225, C>G on the plus strand (G>C on the coding strand, the complement: MORC2 is on the minus strand). VCF-style: chr22-30938225-C-G. GRCh37 (hg19) VCF-style: chr22-31334212-C-G.
Other names: c.1074-20G>C (NM_001303257.2); c.888-20G>C (NM_014941.3).
Identifiers: ClinVar variation 2867062 (VCV002867062.3), dbSNP rs2517591564, ClinGen allele CA2739267885.